The following is an entry in ClinVar:

ClinVar aggregate classification (germline): Pathogenic (1 of 4 stars; one submission).

Submission:

Labcorp Genetics (formerly Invitae), Labcorp
Classification: Pathogenic. Last evaluated: 2022-05-15. Review status: criteria provided, single submitter. Criteria: Invitae Variant Classification Sherloc (09022015). Collection method: clinical testing. Allele origin: germline.
Comment: For these reasons, this variant has been classified as Pathogenic. This variant has not been reported in the literature in individuals affected with SLC24A1-related conditions. This variant is not present in population databases (gnomAD no frequency). This sequence change creates a premature translational stop signal (p.Tyr200*) in the SLC24A1 gene. It is expected to result in an absent or disrupted protein product. Loss-of-function variants in SLC24A1 are known to be pathogenic (PMID: 20850105, 26822852).

Literature cited by the submitters: PubMed 20850105; PubMed 26822852.

NM_004727.3(SLC24A1):c.600C>G (p.Tyr200Ter)

Gene: SLC24A1 (solute carrier family 24 member 1; plus strand). Cytogenetic location: 15q22.31.
Variant type: single nucleotide variant.
Coding change: c.600C>G on transcript NM_004727.3 (MANE Select); coding-DNA position 600, C replaced by G.
Protein change: p.Tyr200Ter; replaces tyrosine 200 with a stop codon.
Molecular consequence: nonsense.
Genome position (GRCh38, 1-based): chr15:65,624,680, C>G. VCF-style: chr15-65624680-C-G. GRCh37 (hg19) VCF-style: chr15-65917018-C-G.
Other names: c.600C>G, p.Tyr200Ter (NM_001301031.1, NM_001301032.1, NM_001301033.2); short protein forms Y200*.
Identifiers: ClinVar variation 1456528 (VCV001456528.6), dbSNP rs775927007, ClinGen allele CA392914340.